The following is an entry in ClinVar:

ClinVar aggregate classification (germline): Benign/Likely benign. Review status: criteria provided, multiple submitters, no conflicts (2 of 4 stars). 5 submissions from 5 submitters: Benign (1); Likely benign (4). Last evaluated 2026-01-12.

Conditions:
Inborn genetic diseases. Identifiers: MedGen C0950123, MeSH D030342.
Hereditary sensory and autonomic neuropathy type 7. Also called: Neuropathy, hereditary sensory and autonomic, type VII; HSAN VII. Identifiers: Orphanet 391397, MedGen C3809882, MONDO:0014244, OMIM 615548.
Familial episodic pain syndrome with predominantly lower limb involvement. Also called: Episodic pain syndrome, familial, 3. Identifiers: Orphanet 391384, Orphanet 391392, MedGen C3809899, MONDO:0014247, OMIM 615552.
SCN11A-related disorder. Also called: SCN11A-related condition.

Allele frequency attached by ClinVar (database versions not stated): ESP Exome Variant Server 0.00008; TOPMed 0.00011; gnomAD 0.00013 and 0.00017; ExAC 0.00023; gnomAD exomes 0.00024 and 0.00026.

Submissions (5):

Labcorp Genetics (formerly Invitae), Labcorp
Classification: Likely benign for Familial episodic pain syndrome with predominantly lower limb involvement; Hereditary sensory and autonomic neuropathy type 7. Last evaluated: 2026-01-12. Review status: criteria provided, single submitter. Criteria: Invitae Variant Classification Sherloc (09022015). Collection method: clinical testing. Allele origin: germline.

PreventionGenetics, part of Exact Sciences
Classification: Likely benign for SCN11A-related condition. Last evaluated: 2025-08-20. Review status: criteria provided, single submitter. Criteria: ACMG Guidelines, 2015. Collection method: clinical testing. Allele origin: germline.
Comment: This variant is classified as likely benign based on ACMG/AMP sequence variant interpretation guidelines (Richards et al. 2015 PMID: 25741868, with internal and published modifications).

CeGaT Center for Human Genetics Tuebingen
Classification: Likely benign. Last evaluated: 2022-11-01. Review status: criteria provided, single submitter. Criteria: CeGaT Center For Human Genetics Tuebingen Variant Classification Criteria Version 2. Collection method: clinical testing. Allele origin: germline. Affected: yes. Observed: 1 variant allele.
Comment: SCN11A: BS1

Ambry Genetics
Classification: Likely benign for Inborn genetic diseases. Last evaluated: 2022-05-11. Review status: criteria provided, single submitter. Criteria: Ambry Variant Classification Scheme 2023. Collection method: clinical testing. Allele origin: germline.

GeneDx
Classification: Benign. Last evaluated: 2020-02-20. Review status: criteria provided, single submitter. Criteria: GeneDx Variant Classification Process June 2021. Collection method: clinical testing. Allele origin: germline. Affected: yes.

NM_001349253.2(SCN11A):c.1097A>G (p.Gln366Arg)

Gene: SCN11A (sodium voltage-gated channel alpha subunit 11; minus strand). Cytogenetic location: 3p22.2.
Variant type: single nucleotide variant.
Coding change: c.1097A>G on transcript NM_001349253.2 (MANE Select); coding-DNA position 1097, A replaced by G.
Protein change: p.Gln366Arg; replaces glutamine 366 with arginine.
Molecular consequence: missense variant.
Genome position (GRCh38, 1-based): chr3:38,910,070, T>C on the plus strand (A>G on the coding strand, the complement: SCN11A is on the minus strand). VCF-style: chr3-38910070-T-C. GRCh37 (hg19) VCF-style: chr3-38951561-T-C.
Other names: c.1097A>G, p.Gln366Arg (NM_014139.3); short protein forms Q366R.
Identifiers: ClinVar variation 541590 (VCV000541590.39), dbSNP rs112707835, ClinGen allele CA2322410.